The following is an entry in ClinVar:

ClinVar aggregate classification (germline): Likely pathogenic. Review status: criteria provided, single submitter (1 of 4 stars). 2 submissions from 2 submitters: Likely pathogenic (1). 1 of the submissions does not count toward it. Last evaluated 2026-09-16.

Conditions:
Spinocerebellar ataxia type 19/22 (SCA19). Also called: SPINOCEREBELLAR ATAXIA 19; SPINOCEREBELLAR ATAXIA 22. Identifiers: Orphanet 98772, MedGen C1846367, MONDO:0011819, OMIM 607346.

Submissions (2):

GeneDx
Classification: Likely pathogenic. Last evaluated: 2026-09-16. Review status: criteria provided, single submitter. Criteria: GeneDx Variant Classification Process June 2021. Collection method: clinical testing. Allele origin: germline.
Comment: Published functional studies suggest a damaging effect by decreased protein stability and reduced channel activity (PMID: 26189493); In-frame insertion of 3 amino acids in a non-repeat region; Not observed at significant frequency in large population cohorts (gnomAD); This variant is associated with the following publications: (PMID: 30776697, 28895081, 26189493)

OMIM
Classification: Pathogenic for SPINOCEREBELLAR ATAXIA 19. Last evaluated: 2023-11-07. Review status: no assertion criteria provided. Collection method: literature only. Allele origin: germline. Not counted in ClinVar's aggregate classification.

Literature cited by the submitters: PubMed 26189493 (cited by OMIM).

NM_001378969.1(KCND3):c.877_885dup (p.Arg296_Ile297insValPheArg)

Gene: KCND3 (potassium voltage-gated channel subfamily D member 3; minus strand). Cytogenetic location: 1p13.2.
Variant type: Duplication.
Coding change: c.877_885dup on transcript NM_001378969.1 (MANE Select); coding-DNA positions 877 to 885, 9 bases duplicated (CGCGTCTTC; older notation c.877_885dupCGCGTCTTC).
Protein change: p.Arg296_Ile297insValPheArg.
Molecular consequence: inframe insertion. On other transcripts: inframe indel (1).
Genome position (GRCh38, 1-based): chr1:111,981,842-111,981,850, GAAGACGCG duplicated on the plus strand (CGCGTCTTC on the coding strand, the reverse complement: KCND3 is on the minus strand); duplicating any 9 consecutive bases within chr1:111,981,842-111,981,856 gives the same sequence; the c. name uses the placement nearest the transcript's 3' end. VCF-style (leftmost placement, unchanged base first): chr1-111981841-T-TGAAGACGCG. GRCh37 (hg19) VCF-style: chr1-112524463-T-TGAAGACGCG.
Other names: c.877_885dupCGCGTCTTC (NM_004980.4); c.877_885dup (NM_004980.4); c.877_885dup, p.Arg296_Ile297insValPheArg (NM_001378970.1, NM_004980.5, NM_172198.3).
Identifiers: ClinVar variation 2627944 (VCV002627944.3), dbSNP rs2525698722, ClinGen allele CA2586963969.